The following is an entry in ClinVar:

NM_181703.4(GJA5):c.208T>C (p.Phe70Leu)

Gene: GJA5 (gap junction protein alpha 5; minus strand). Cytogenetic location: 1q21.2.
Variant type: single nucleotide variant.
Coding change: c.208T>C on transcript NM_181703.4 (MANE Select); coding-DNA position 208, T replaced by C.
Protein change: p.Phe70Leu; replaces phenylalanine 70 with leucine.
Molecular consequence: missense variant.
Genome position (GRCh38, 1-based): chr1:147,759,031, A>G on the plus strand (T>C on the coding strand, the complement: GJA5 is on the minus strand). VCF-style: chr1-147759031-A-G. GRCh37 (hg19) VCF-style: chr1-147231139-A-G.
Other names: c.208T>C, p.Phe70Leu (NM_005266.7); short protein forms F70L.
Identifiers: ClinVar variation 2946826 (VCV002946826.3), dbSNP rs2524611974, ClinGen allele CA342397735.

ClinVar aggregate classification (germline): Uncertain significance (1 of 4 stars; one submission).

Conditions:
Atrial standstill 1 (ATRST1). Also called: ATRIAL CARDIOMYOPATHY WITH HEART BLOCK; CARDIOMYOPATHY, FAMILIAL, WITH CONDUCTION DISTURBANCE; Atrial standstill, digenic (GJA5/SCN5A). Identifiers: Orphanet 1344, MedGen C4551959, MONDO:0007171, OMIM 108770.
Atrial fibrillation, familial, 11 (ATFB11). Identifiers: MedGen C3279693, MONDO:0013544, OMIM 614049.

Submission:

Labcorp Genetics (formerly Invitae), Labcorp
Classification: Uncertain significance for Atrial fibrillation, familial, 11; Atrial standstill 1. Last evaluated: 2023-04-16. Review status: criteria provided, single submitter. Criteria: Invitae Variant Classification Sherloc (09022015). Collection method: clinical testing. Allele origin: germline.
Comment: In summary, the available evidence is currently insufficient to determine the role of this variant in disease. Therefore, it has been classified as a Variant of Uncertain Significance. Advanced modeling of protein sequence and biophysical properties (such as structural, functional, and spatial information, amino acid conservation, physicochemical variation, residue mobility, and thermodynamic stability) performed at Invitae indicates that this missense variant is expected to disrupt GJA5 protein function. This variant has not been reported in the literature in individuals affected with GJA5-related conditions. This variant is not present in population databases (gnomAD no frequency). This sequence change replaces phenylalanine, which is neutral and non-polar, with leucine, which is neutral and non-polar, at codon 70 of the GJA5 protein (p.Phe70Leu).